The following is an entry in ClinVar:

NM_001170535.3(ATAD3A):c.515-4G>C

Gene: ATAD3A (ATPase family AAA domain containing 3A; plus strand). Cytogenetic location: 1p36.33.
Variant type: single nucleotide variant.
Coding change: c.515-4G>C on transcript NM_001170535.3 (MANE Select); 4 bases into the intron before coding-DNA position 515, G replaced by C.
Molecular consequence: intron variant.
Genome position (GRCh38, 1-based): chr1:1,520,137, G>C. VCF-style: chr1-1520137-G-C. GRCh37 (hg19) VCF-style: chr1-1455517-G-C.
Other names: c.659-4G>C (NM_018188.5); c.278-4G>C (NM_001170536.3).
Identifiers: ClinVar variation 1029208 (VCV001029208.1), dbSNP rs775516601, ClinGen allele CA1149102439.

ClinVar aggregate classification (germline): Uncertain significance (1 of 4 stars; one submission).

Conditions:
Harel-Yoon syndrome (HAYOS). Also called: Optic atrophy-peripheral neuropathy-developmental delay syndrome. Identifiers: Orphanet 496790, MedGen C4310677, MONDO:0014958, OMIM 617183.

Submission:

Baylor Genetics
Classification: Uncertain significance for Harel-Yoon syndrome. Last evaluated: 2019-02-18. Review status: criteria provided, single submitter. Criteria: ACMG Guidelines, 2015. Collection method: clinical testing. Allele origin: unknown. Affected: yes.
Comment: This variant was determined to be of uncertain significance according to ACMG Guidelines, 2015 [PMID:25741868].